The following is an entry in ClinVar:

ClinVar aggregate classification (germline): Conflicting classifications of pathogenicity. Review status: criteria provided, conflicting classifications (1 of 4 stars). 5 submissions from 5 submitters: Likely pathogenic (1); Uncertain significance (4). Last evaluated 2022-03-15.

Conditions:
Neurofibromatosis, type 1 (NF1). Also called: Neurofibromatosis, type I; NEUROFIBROMATOSIS, TYPE I, SOMATIC; Peripheral type neurofibromatosis; VON RECKLINGHAUSEN DISEASE. Identifiers: Orphanet 636, MedGen C0027831, MONDO:0018975, OMIM 162200. Disease mechanism: loss of function.

Submissions (5):

Genome-Nilou Lab
Classification: Uncertain significance for Neurofibromatosis, type 1. Last evaluated: 2022-03-15. Review status: criteria provided, single submitter. Criteria: ACMG Guidelines, 2015. Collection method: clinical testing. Allele origin: germline. Affected: no.

MGZ Medical Genetics Center
Classification: Likely pathogenic for Neurofibromatosis, type 1. Last evaluated: 2022-02-25. Review status: criteria provided, single submitter. Criteria: ACMG Guidelines, 2015. Collection method: clinical testing. Allele origin: germline. Affected: yes. Observed: 1 variant allele.
Comment: ACMG criteria applied: PS2, PM1, PM2_SUP, PP2, PP3

CeGaT Center for Human Genetics Tuebingen
Classification: Uncertain significance. Last evaluated: 2021-09-01. Review status: criteria provided, single submitter. Criteria: CeGaT Center For Human Genetics Tuebingen Variant Classification Criteria Version 2. Collection method: clinical testing. Allele origin: germline. Affected: yes. Observed: 1 variant allele.

GeneDx
Classification: Uncertain significance. Last evaluated: 2019-11-26. Review status: criteria provided, single submitter. Criteria: GeneDx Variant Classification Process June 2021. Collection method: clinical testing. Allele origin: germline. Affected: yes.
Comment: Not observed in large population cohorts (Lek 2016); In silico analysis, which includes protein predictors and evolutionary conservation, supports a deleterious effect; Has not been previously published as pathogenic or benign to our knowledge

Labcorp Genetics (formerly Invitae), Labcorp
Classification: Uncertain significance for Neurofibromatosis, type 1. Last evaluated: 2017-04-27. Review status: criteria provided, single submitter. Criteria: Invitae Variant Classification Sherloc (09022015). Collection method: clinical testing. Allele origin: germline.
Comment: This sequence change replaces glutamic acid with aspartic acid at codon 1908 of the NF1 protein (p.Glu1908Asp). The glutamic acid residue is moderately conserved and there is a small physicochemical difference between glutamic acid and aspartic acid. In summary, this variant is a novel missense change with uncertain impact on protein function. It has been classified as a Variant of Uncertain Significance. Algorithms developed to predict the effect of missense changes on protein structure and function do not agree on the potential impact of this missense change (SIFT: "Tolerated"; PolyPhen-2: "Probably Damaging"; Align-GVGD: "Class C0"). This variant is not present in population databases (ExAC no frequency) and has not been reported in the literature in individuals with an NF1-related disease.

NM_001042492.3(NF1):c.5787G>T (p.Glu1929Asp)

Gene: NF1 (neurofibromin 1; plus strand). Cytogenetic location: 17q11.2.
Variant type: single nucleotide variant.
Coding change: c.5787G>T on transcript NM_001042492.3 (MANE Select); coding-DNA position 5787, G replaced by T.
Protein change: p.Glu1929Asp; replaces glutamic acid 1929 with aspartic acid.
Molecular consequence: missense variant.
Genome position (GRCh38, 1-based): chr17:31,330,473, G>T. VCF-style: chr17-31330473-G-T. GRCh37 (hg19) VCF-style: chr17-29657491-G-T.
Other names: c.5724G>T, p.Glu1908Asp (NM_000267.4); short protein forms E1929D, E1908D.
Identifiers: ClinVar variation 457763 (VCV000457763.44), dbSNP rs786202591, ClinGen allele CA399010474.
Genomic context (GRCh38, chr17:31,330,473, plus strand): 5'-CTCTATTAGTAAGACACTGGCAGCCAATGAGCCACACCTCACGTTAGAATTTTTGGAAGA[G>T]TGTATTTCTGGATTTAGCAAATCTAGTAAGTAATGATAATTTTCTTTAATACTAACAATT-3'
Protein context (NP_001035957.1, residues 1919-1939): EPHLTLEFLE[Glu1929Asp]CISGFSKSSI